The following is an entry in ClinVar:

ClinVar aggregate classification (germline): Uncertain significance (1 of 4 stars; one submission).

Conditions:
Parathyroid carcinoma (PRTC). Also called: Parathyroid gland carcinoma; CDC73-Related Parathyroid Carcinoma. Identifiers: Orphanet 143, MedGen C0687150, MONDO:0012004, OMIM 608266, HP:0006780.

Submission:

Labcorp Genetics (formerly Invitae), Labcorp
Classification: Uncertain significance for Parathyroid carcinoma. Last evaluated: 2019-10-04. Review status: criteria provided, single submitter. Criteria: Invitae Variant Classification Sherloc (09022015). Collection method: clinical testing. Allele origin: germline.
Comment: This variant is a gross duplication of the genomic region encompassing exons 1-2 of the CDC73 gene. The 5' end of this event is unknown as it extends beyond the assayed region for this gene and therefore may encompass additional genes. The 3' boundary is likely confined to intron 2 of the CDC73 gene. The exact location of this variant in the genome is unknown. This variant has not been reported in the literature in individuals with CDC73-related disease. In summary, the available evidence is currently insufficient to determine the role of this variant in disease. Therefore, it has been classified as a Variant of Uncertain Significance.

NC_000001.11:g.(?_193122201)_(193125227_?)dup

Gene: CDC73 (cell division cycle 73; plus strand). Cytogenetic location: 1q31.2.
Variant type: Duplication.
Identifiers: ClinVar variation 833163 (VCV000833163.1).